The following is an entry in ClinVar:

ClinVar aggregate classification (germline): Likely benign. Review status: criteria provided, multiple submitters, no conflicts (2 of 4 stars). 3 submissions from 3 submitters: Likely benign (2). 1 of the submissions does not count toward it. Last evaluated 2025-08-29.

Conditions:
PCNT-related disorder. Also called: PCNT-related condition.

Allele frequency attached by ClinVar (database versions not stated): gnomAD exomes 0.00003 and 0.00009; ExAC 0.00009; ESP Exome Variant Server 0.00023; TOPMed 0.00028; gnomAD 0.00029 and 0.00034.
gnomAD v4.1: 92 of 1,611,290 alleles (0.0057%); highest among the groups gnomAD compares: African/African-American, 0.12%; no homozygotes.

Submissions (3):

Labcorp Genetics (formerly Invitae), Labcorp
Classification: Likely benign. Last evaluated: 2025-08-29. Review status: criteria provided, single submitter. Criteria: Invitae Variant Classification Sherloc (09022015). Collection method: clinical testing. Allele origin: germline.

Blueprint Genetics
Classification: Likely benign. Last evaluated: 2024-07-23. Review status: criteria provided, single submitter. Criteria: ACMG Guidelines, 2015. Collection method: clinical testing. Allele origin: germline.

PreventionGenetics, part of Exact Sciences
Classification: Likely benign for PCNT-related condition. Last evaluated: 2021-12-13. Review status: no assertion criteria provided. Collection method: clinical testing. Allele origin: germline. Not counted in ClinVar's aggregate classification.
Comment: This variant is classified as likely benign based on ACMG/AMP sequence variant interpretation guidelines (Richards et al. 2015 PMID: 25741868, with internal and published modifications).

NM_006031.6(PCNT):c.5997T>C (p.Gly1999=)

Gene: PCNT (pericentrin; plus strand). Cytogenetic location: 21q22.3.
Variant type: single nucleotide variant.
Coding change: c.5997T>C on transcript NM_006031.6 (MANE Select); coding-DNA position 5997, T replaced by C.
Protein change: p.Gly1999=; no amino-acid change (glycine 1999 retained).
Molecular consequence: synonymous variant.
Genome position (GRCh38, 1-based): chr21:46,412,839, T>C. VCF-style: chr21-46412839-T-C. GRCh37 (hg19) VCF-style: chr21-47832753-T-C.
Other names: c.5997T>C (NM_006031.5); c.5643T>C, p.Gly1881= (NM_001315529.2).
Identifiers: ClinVar variation 1546364 (VCV001546364.11), dbSNP rs146997824, ClinGen allele CA10080170.